The following is an entry in ClinVar:

NM_002699.4(POU3F1):c.330A>C (p.Gly110=)

Gene: POU3F1 (POU class 3 homeobox 1; minus strand). Cytogenetic location: 1p34.3.
Variant type: single nucleotide variant.
Coding change: c.330A>C on transcript NM_002699.4 (MANE Select); coding-DNA position 330, A replaced by C.
Protein change: p.Gly110=; no amino-acid change (glycine 110 retained).
Molecular consequence: synonymous variant.
Genome position (GRCh38, 1-based): chr1:38,046,414, T>G on the plus strand (A>C on the coding strand, the complement: POU3F1 is on the minus strand). VCF-style: chr1-38046414-T-G. GRCh37 (hg19) VCF-style: chr1-38512086-T-G.
Identifiers: ClinVar variation 2638686 (VCV002638686.24), dbSNP rs796188845, ClinGen allele CA777680.

ClinVar aggregate classification (germline): Likely benign (1 of 4 stars; one submission).

Allele frequency attached by ClinVar (database versions not stated): gnomAD 0.00312; TOPMed 0.00312; ExAC 0.00407.

Submission:

CeGaT Center for Human Genetics Tuebingen
Classification: Likely benign. Last evaluated: 2022-07-01. Review status: criteria provided, single submitter. Criteria: CeGaT Center For Human Genetics Tuebingen Variant Classification Criteria Version 2. Collection method: clinical testing. Allele origin: germline. Affected: yes. Observed: 1 variant allele.
Comment: POU3F1: BP4, BP7